The following is an entry in ClinVar:

NM_001370259.2(MEN1):c.139_143dup (p.Ala49fs)

Gene: MEN1 (menin 1; minus strand). Cytogenetic location: 11q13.1.
Variant type: Duplication.
Coding change: c.139_143dup on transcript NM_001370259.2 (MANE Select); coding-DNA positions 139 to 143, 5 bases duplicated (TTTCT; older notation c.139_143dupTTTCT).
Protein change: p.Ala49fs; shifts the reading frame from alanine 49.
Molecular consequence: frameshift variant.
Genome position (GRCh38, 1-based): chr11:64,809,967-64,809,971, AGAAA duplicated on the plus strand (TTTCT on the coding strand, the reverse complement: MEN1 is on the minus strand); duplicating any 5 consecutive bases within chr11:64,809,967-64,809,972 gives the same sequence; the c. name uses the placement nearest the transcript's 3' end. VCF-style (leftmost placement, unchanged base first): chr11-64809966-C-CAGAAA. GRCh37 (hg19) VCF-style: chr11-64577438-C-CAGAAA.
Other names: c.139_143dup, p.Ala49fs (NM_000244.4, NM_001370251.2, NM_001370260.2 and 9 more transcripts); c.138_142dup, p.Ala49Phefs (NM_001407142.1, NM_001407143.1, NM_001407144.1 and 8 more transcripts); short protein forms A49fs.
Identifiers: ClinVar variation 2132920 (VCV002132920.4), dbSNP rs2497282682, ClinGen allele CA2580084451.

ClinVar aggregate classification (germline): Pathogenic (1 of 4 stars; one submission).

Conditions:
Multiple endocrine neoplasia, type 1 (MEN1). Also called: MEN I; WERMER SYNDROME; Endocrine adenomatosis multiple; MEN 1; MEA I. Identifiers: Orphanet 652, MedGen C0025267, MeSH D018761, MONDO:0007540, OMIM 131100.

Submission:

Labcorp Genetics (formerly Invitae), Labcorp
Classification: Pathogenic for Multiple endocrine neoplasia, type 1. Last evaluated: 2022-05-24. Review status: criteria provided, single submitter. Criteria: Invitae Variant Classification Sherloc (09022015). Collection method: clinical testing. Allele origin: germline.
Comment: This variant is not present in population databases (gnomAD no frequency). For these reasons, this variant has been classified as Pathogenic. This variant has not been reported in the literature in individuals affected with MEN1-related conditions. This sequence change creates a premature translational stop signal (p.Ala49Phefs*72) in the MEN1 gene. It is expected to result in an absent or disrupted protein product. Loss-of-function variants in MEN1 are known to be pathogenic (PMID: 12112656, 17853334).

Literature cited by the submitters: PubMed 12112656; PubMed 17853334.